The following is an entry in ClinVar:

ClinVar aggregate classification (germline): Pathogenic/Likely pathogenic. Review status: criteria provided, multiple submitters, no conflicts (2 of 4 stars). 13 submissions from 13 submitters: Pathogenic (10); Likely pathogenic (1). 2 of the submissions do not count toward it. Last evaluated 2026-03-23.

Conditions:
BTD-related disorder. Also called: BTD-related condition.
Biotinidase deficiency. Also called: Biotin deficiency; BTD deficiency; Late-onset biotin-responsive multiple carboxylase deficiency. Identifiers: Orphanet 79241, MedGen C0220754, MONDO:0009665, OMIM 253260.

Allele frequency attached by ClinVar (database versions not stated): gnomAD 0.00006 and 0.00007; ExAC 0.00004; gnomAD exomes 0.00002; TOPMed 0.00014.
gnomAD v4.1: 42 of 1,613,930 alleles (0.0026%); highest among the groups gnomAD compares: African/African-American, 0.036%; no homozygotes.

Submissions (13):

Women's Health and Genetics/Laboratory Corporation of America, LabCorp
Classification: Pathogenic for Biotinidase deficiency. Last evaluated: 2026-03-23. Review status: criteria provided, single submitter. Criteria: LabCorp Variant Classification Summary - May 2015. Collection method: clinical testing. Allele origin: germline.
Comment: Variant summary: BTD c.566G>A (p.Arg189His), also referred to as c.626G>A (p.Arg209His), results in a non-conservative amino acid change in the encoded protein sequence. Algorithms developed to predict the effect of missense changes on protein structure and function all suggest that this variant is likely to be disruptive. The variant allele was found at a frequency of 2.4e-05 in 251484 control chromosomes. c.566G>A has been observed in multiple individuals affected with Biotinidase Deficiency (e.g. Li_2014, Gannavarapu_2015, Tangeraas_2020, Sharma_2024, Yilmaz_2024). These data indicate that the variant is very likely to be associated with disease. Additionally, a different variant affecting the same codon has been classified as pathogenic by our lab (c.565C>T, p.Arg189Cys), supporting the critical relevance of codon 189 to BTD protein function. The following publications have been ascertained in the context of this evaluation (PMID: 26361991, 24797656, 38299772, 33123633, 38141137). ClinVar contains an entry for this variant (Variation ID: 92400). Based on the evidence outlined above, the variant was classified as pathogenic.

Labcorp Genetics (formerly Invitae), Labcorp
Classification: Pathogenic for Biotinidase deficiency. Last evaluated: 2026-01-17. Review status: criteria provided, single submitter. Criteria: Invitae Variant Classification Sherloc (09022015). Collection method: clinical testing. Allele origin: germline.
Comment: This sequence change replaces arginine, which is basic and polar, with histidine, which is basic and polar, at codon 209 of the BTD protein (p.Arg209His). This variant is present in population databases (rs398123139, gnomAD 0.01%). This missense change has been observed in individual(s) with biotinidase deficiency (PMID: 24797656, 25754625, 26361991). In at least one individual the data is consistent with being in trans (on the opposite chromosome) from a pathogenic variant. ClinVar contains an entry for this variant (Variation ID: 92400). Invitae Evidence Modeling of protein sequence and biophysical properties (such as structural, functional, and spatial information, amino acid conservation, physicochemical variation, residue mobility, and thermodynamic stability) indicates that this missense variant is expected to disrupt BTD protein function with a positive predictive value of 95%. This variant disrupts the p.Arg209 amino acid residue in BTD. Other variant(s) that disrupt this residue have been observed in individuals with BTD-related conditions (PMID: 24797656, 25754625, 26361991, 26810761), which suggests that this may be a clinically significant amino acid residue. For these reasons, this variant has been classified as Pathogenic.

Natera, Inc.
Classification: Pathogenic for Biotinidase deficiency. Last evaluated: 2025-08-21. Review status: criteria provided, single submitter. Criteria: Natera Variant Classification Schema (03/2026). Collection method: clinical testing. Allele origin: germline.
Comment: The c.566G>A variant in BTD is a missense variant predicted to cause substitution of arginine to histidine at amino acid 189. This variant is rare in the general population with a frequency below the threshold expected for the associated phenotype(s). This variant has been observed in one or more individuals affected with the associated recessive disease, as either homozygous or compound heterozygous with a second variant (PMID: 33123633, 26589311, 25754625). Given the available evidence, this variant is classified as Pathogenic.

Revvity Omics, Revvity
Classification: Pathogenic for Biotinidase deficiency. Last evaluated: 2024-05-16. Review status: criteria provided, single submitter. Criteria: ACMG Guidelines, 2015. Collection method: clinical testing. Allele origin: germline.

Baylor Genetics
Classification: Pathogenic for Biotinidase deficiency. Last evaluated: 2024-03-24. Review status: criteria provided, single submitter. Criteria: ACMG Guidelines, 2015. Collection method: clinical testing. Allele origin: unknown.

Fulgent Genetics
Classification: Likely pathogenic for Biotinidase deficiency. Last evaluated: 2024-02-19. Review status: criteria provided, single submitter. Criteria: ACMG Guidelines, 2015. Collection method: clinical testing. Allele origin: germline.

ARUP Laboratories, Molecular Genetics and Genomics, ARUP Laboratories
Classification: Pathogenic for Biotinidase deficiency. Last evaluated: 2023-10-02. Review status: criteria provided, single submitter. Criteria: ARUP Molecular Germline Variant Investigation Process 2024. Collection method: clinical testing. Allele origin: germline.
Comment: The BTD c.566G>A; p.Arg189His variant (rs398123139), also known as c.626G>A; p.Arg209His for NM_000060.2, has been reported in an individual with profound BTD deficiency, and found in-trans with a pathogenic variant (Li 2014). Another missense variant at this residue, p.Arg189Cys, has been reported in an individual with partial BTD deficiency when found with a pathogenic variant (Procter 2016). The p.Arg189His variant is reported in ClinVar (Variation ID: 92400). It is observed in the general population with an overall allele frequency of 0.002% (7/282856 alleles) in the Genome Aggregation Database. Computational analyses predict that this variant is deleterious (REVEL: 0.84). Based on the available information, the p.Arg189His variant is considered to be pathogenic. References: Li H et al. Novel mutations causing biotinidase deficiency in individuals identified by newborn screening in Michigan including an unique intronic mutation that alters mRNA expression of the biotinidase gene. Mol Genet Metab. 2014 Jul;112(3):242-6. PMID: 24797656. Procter M et al. Forty-eight novel mutations causing biotinidase deficiency. Mol Genet Metab. 2016 Mar;117(3):369-72. PMID: 26810761.

MGZ Medical Genetics Center
Classification: Pathogenic for Biotinidase deficiency. Last evaluated: 2022-03-04. Review status: criteria provided, single submitter. Criteria: ACMG Guidelines, 2015. Collection method: clinical testing. Allele origin: germline. Affected: yes. Observed: 2 variant alleles.
Comment: ACMG criteria applied: PM3_STR, PS4_MOD, PM1, PM5, PM2_SUP, PP3, PP4

Institute of Medical Genetics and Applied Genomics, University Hospital Tübingen
Classification: Pathogenic. Last evaluated: 2020-10-23. Review status: criteria provided, single submitter. Criteria: ACMG Guidelines, 2015. Collection method: clinical testing. Allele origin: germline. Inheritance: Unknown mechanism. Affected: yes.

Quest Diagnostics Nichols Institute San Juan Capistrano
Classification: Pathogenic. Last evaluated: 2020-07-09. Review status: criteria provided, single submitter. Criteria: Quest Diagnostics criteria. Collection method: clinical testing. Allele origin: unknown.
Comment: The variant has been found in at least one symptomatic patient. The variant occurs in multiple cases with a lone recessive pathogenic/likely pathogenic variant in the same gene, and several have phenotype known to be consistent with disease.

Eurofins Ntd Llc (ga)
Classification: Pathogenic. Last evaluated: 2018-08-21. Review status: criteria provided, single submitter. Criteria: EGL ClinVar v180209 classification definitions. Collection method: clinical testing. Allele origin: germline. Observed: 3 variant alleles, 3 heterozygotes.

PreventionGenetics, part of Exact Sciences
Classification: Pathogenic for BTD-related condition. Last evaluated: 2023-10-28. Review status: no assertion criteria provided. Collection method: clinical testing. Allele origin: germline. Not counted in ClinVar's aggregate classification.
Comment: The BTD c.626G>A variant is predicted to result in the amino acid substitution p.Arg209His. This variant has been reported in the compound heterozygous state in individuals with biotinidase deficiency (Gannavarapu et al. 2015. PubMed ID: 26361991; Li et al. 2014. PubMed ID: 24797656; Karaca et al. 2015. PubMed ID: 25754625; Al-Jasmi et al. 2015. PubMed ID: 26589311). In vitro experimental studies suggest this variant impacts protein function (Li et al. 2014. PubMed ID: 24797656). An alternate nucleotide change affecting the same amino acid (p.Arg209Cys) has been reported in individuals with biotinidase deficiency (Procter et al. 2016. PubMed ID: 26810761; Kars et al. 2021. PubMed ID: 34426522). This variant is reported in 0.012% of alleles in individuals of African descent in gnomAD. This variant is interpreted as pathogenic.

Molecular Genetics Diagnostic Laboratory, Detroit Medical Center University Laboratories
Classification: Pathogenic for Biotinidase deficiency. Review status: no assertion criteria provided. Collection method: clinical testing. Allele origin: germline. Affected: yes. Observed: 1 variant allele. Not counted in ClinVar's aggregate classification.

Literature cited by the submitters: PubMed 33123633 (cited by Women's Health and Genetics/Laboratory Corporation of America, LabCorp and Natera, Inc.); PubMed 24797656 (cited by 4 submitters); PubMed 26361991 (cited by 3 submitters); PubMed 38141137 (cited by Women's Health and Genetics/Laboratory Corporation of America, LabCorp); PubMed 38299772 (cited by Women's Health and Genetics/Laboratory Corporation of America, LabCorp); PubMed 25754625 (cited by 3 submitters); PubMed 26810761 (cited by Labcorp Genetics (formerly Invitae), Labcorp and Quest Diagnostics Nichols Institute San Juan Capistrano); PubMed 26589311 (cited by Natera, Inc. and Quest Diagnostics Nichols Institute San Juan Capistrano); PubMed 25144890 (cited by Quest Diagnostics Nichols Institute San Juan Capistrano).

NM_001370658.1(BTD):c.566G>A (p.Arg189His)

Gene: BTD (biotinidase; plus strand). Cytogenetic location: 3p25.1.
Variant type: single nucleotide variant.
Coding change: c.566G>A on transcript NM_001370658.1 (MANE Select); coding-DNA position 566, G replaced by A.
Protein change: p.Arg189His; replaces arginine 189 with histidine.
Molecular consequence: missense variant. On other transcripts: intron variant (1).
Genome position (GRCh38, 1-based): chr3:15,644,482, G>A. VCF-style: chr3-15644482-G-A. GRCh37 (hg19) VCF-style: chr3-15685989-G-A.
Other names: c.626G>A, p.Arg209His (NM_000060.4); c.566G>A, p.Arg189His (NM_001281723.4, NM_001281724.3, NM_001281725.3 and 18 more transcripts); c.399+2425G>A (NM_001370753.1); short protein forms R189H.
Identifiers: ClinVar variation 92400 (VCV000092400.39), dbSNP rs398123139, ClinGen allele CA220329.